The following is an entry in ClinVar:

ClinVar aggregate classification (germline): Conflicting classifications of pathogenicity. Review status: criteria provided, conflicting classifications (1 of 4 stars). 3 submissions from 3 submitters: Pathogenic (1); Likely pathogenic (1); Uncertain significance (1). Last evaluated 2026-01-16.

Conditions:
Lysosomal storage disease. Also called: Lysosomal storage disorder. Identifiers: Orphanet 68366, MedGen C0085078, MONDO:0002561.
Metachromatic leukodystrophy (MLD). Also called: ARSA DEFICIENCY; CEREBROSIDE SULFATASE DEFICIENCY; Cerebral sclerosis diffuse metachromatic form; SULFATIDE LIPIDOSIS; METACHROMATIC LEUKOENCEPHALOPATHY; Arylsulfatase A Deficiency. Identifiers: Orphanet 512, MedGen C0023522, MONDO:0018868, OMIM 250100.

Submissions (3):

Genetics Laboratory, Great Ormond Street Hospital NHS Foundation Trust, North Thames Genomic Laboratory Hub
Classification: Likely pathogenic for Lysosomal storage disorder. Last evaluated: 2026-01-16. Review status: criteria provided, single submitter. Criteria: ACGS Best Practice Guidelines for Variant Classification in Rare Disease 2024 v1.2. Collection method: clinical testing. Allele origin: germline. Affected: yes.
Comment: PM2_moderate, PM4_moderate, PM3_supporting, PP4_strong

Labcorp Genetics (formerly Invitae), Labcorp
Classification: Pathogenic for Metachromatic leukodystrophy. Last evaluated: 2023-12-24. Review status: criteria provided, single submitter. Criteria: Invitae Variant Classification Sherloc (09022015). Collection method: clinical testing. Allele origin: germline.
Comment: This variant, c.868_873del, results in the deletion of 2 amino acid(s) of the ARSA protein (p.Arg290_Met291del), but otherwise preserves the integrity of the reading frame. This variant is not present in population databases (gnomAD no frequency). This variant has not been reported in the literature in individuals affected with ARSA-related conditions. This variant disrupts a region of the ARSA protein in which other variant(s) (p.Arg290Cys) have been determined to be pathogenic (PMID: 7866401, 16678723, 17560502, 19815439, 26462614). This suggests that this is a clinically significant region of the protein, and that variants that disrupt it are likely to be disease-causing. For these reasons, this variant has been classified as Pathogenic.

Blueprint Genetics
Classification: Uncertain significance. Last evaluated: 2021-11-30. Review status: criteria provided, single submitter. Criteria: ACMG Guidelines, 2015. Collection method: clinical testing. Allele origin: germline.

Literature cited by the submitters: PubMed 7866401 (cited by Labcorp Genetics (formerly Invitae), Labcorp); PubMed 16678723 (cited by Labcorp Genetics (formerly Invitae), Labcorp); PubMed 17560502 (cited by Labcorp Genetics (formerly Invitae), Labcorp); PubMed 19815439 (cited by Labcorp Genetics (formerly Invitae), Labcorp); PubMed 26462614 (cited by Labcorp Genetics (formerly Invitae), Labcorp).

NM_000487.6(ARSA):c.868_873del (p.Arg290_Met291del)

Gene: ARSA (arylsulfatase A; minus strand). Cytogenetic location: 22q13.33.
Variant type: Deletion.
Coding change: c.868_873del on transcript NM_000487.6 (MANE Select); coding-DNA positions 868 to 873, 6 bases deleted (CGTATG; older notation c.868_873delCGTATG).
Protein change: p.Arg290_Met291del.
Molecular consequence: inframe deletion.
Genome position (GRCh38, 1-based): chr22:50,626,260-50,626,265, CATACG deleted on the plus strand (CGTATG on the coding strand, the reverse complement: ARSA is on the minus strand); deleting any 6 consecutive bases within chr22:50,626,260-50,626,268 gives the same sequence; the c. name uses the placement nearest the transcript's 3' end. VCF-style (leftmost placement, unchanged base first): chr22-50626259-ACATACG-A. GRCh37 (hg19) VCF-style: chr22-51064687-ACATACG-A.
Other names: c.868_873del, p.Arg290_Met291del (NM_001085425.3, NM_001085426.3, NM_001085427.3); c.610_615del, p.Arg204_Met205del (NM_001085428.3, NM_001362782.2).
Identifiers: ClinVar variation 2705278 (VCV002705278.5), dbSNP rs2518327424, ClinGen allele CA2697552824.